The following is an entry in ClinVar:

ClinVar aggregate classification (germline): Benign (1 of 4 stars; one submission).

Conditions:
Maple syrup urine disease (MSUD). Identifiers: Orphanet 511, MedGen C0024776, MeSH D008375, MONDO:0009563. Disease mechanism: loss of function.

Allele frequency attached by ClinVar (database versions not stated): 1000 Genomes Project 0.71526; 1000 Genomes Project 30x 0.71814; gnomAD 0.77735; TOPMed 0.77910.

Submission:

Illumina Laboratory Services, Illumina
Classification: Benign for Maple syrup urine disease type 1A. Last evaluated: 2018-01-13. Review status: criteria provided, single submitter. Criteria: ICSL Variant Classification Criteria 13 December 2019. Collection method: clinical testing. Allele origin: germline.
Comment: This variant was observed in the ICSL laboratory as part of a predisposition screen in an ostensibly healthy population. It had not been previously curated by ICSL or reported in the Human Gene Mutation Database (HGMD: prior to June 1st, 2018), and was therefore a candidate for classification through an automated scoring system. Utilizing variant allele frequency, disease prevalence and penetrance estimates, and inheritance mode, an automated score was calculated to assess if this variant is too frequent to cause the disease. Based on the score and internal cut-off values, a variant classified as benign is not then subjected to further curation. The score for this variant resulted in a classification of benign for this disease.

NM_183050.4(BCKDHB):c.*1444T>C

Gene: BCKDHB (branched chain keto acid dehydrogenase E1 subunit beta; plus strand). Cytogenetic location: 6q14.1.
Variant type: single nucleotide variant.
Coding change: c.*1444T>C on transcript NM_183050.4 (MANE Select); 1444 bases downstream of the stop codon, T replaced by C.
Molecular consequence: 3 prime UTR variant. On other transcripts: non-coding transcript variant (1), intron variant (1).
Genome position (GRCh38, 1-based): chr6:80,345,248, T>C. VCF-style: chr6-80345248-T-C. GRCh37 (hg19) VCF-style: chr6-81054965-T-C.
Other names: c.*1444T>C (NM_001318975.1); c.*9-727T>C (NM_000056.5).
Identifiers: ClinVar variation 358204 (VCV000358204.5), dbSNP rs3805848, ClinGen allele CA10622803.